The following is an entry in ClinVar:

NM_000069.3(CACNA1S):c.1370C>T (p.Pro457Leu)

Gene: CACNA1S (calcium voltage-gated channel subunit alpha1 S; minus strand). Cytogenetic location: 1q32.1.
Variant type: single nucleotide variant.
Coding change: c.1370C>T on transcript NM_000069.3 (MANE Select); coding-DNA position 1370, C replaced by T.
Protein change: p.Pro457Leu; replaces proline 457 with leucine.
Molecular consequence: missense variant.
Genome position (GRCh38, 1-based): chr1:201,083,185, G>A on the plus strand (C>T on the coding strand, the complement: CACNA1S is on the minus strand). VCF-style: chr1-201083185-G-A. GRCh37 (hg19) VCF-style: chr1-201052313-G-A.
Other names: short protein forms P457L.
Identifiers: ClinVar variation 432592 (VCV000432592.14), dbSNP rs1450678337, ClinGen allele CA344125178.
Genomic context (GRCh38, chr1:201,083,185, plus strand): 5'-TGTGCCCTCCTCCCGGCTTCACTCCGTTCCGCCTCACCTTGCAAACGGGTCAGCCAGAGA[G>A]GCTGGTTGTGGTGCTCTGAGGCGATAGACAGGGTGTTGAGGGCAACGATGAGAATCACCA-3'
Protein context (NP_000060.2, residues 447-467): LSIASEHHNQ[Pro457Leu]LWLTRLQDIA

ClinVar aggregate classification (germline): Uncertain significance. Review status: criteria provided, multiple submitters, no conflicts (2 of 4 stars). 9 submissions from 6 submitters: Uncertain significance (9). Last evaluated 2025-01-19.

Conditions:
Congenital myopathy 18. Also called: Myopathy, congenital, due to dihydropyridine receptor defect; DIHYDROPYRIDINE RECEPTOR CONGENITAL MYOPATHY; DHPR CONGENITAL MYOPATHY. Identifiers: MedGen C5830283, MONDO:0859514, OMIM 620246.
Inborn genetic diseases. Identifiers: MedGen C0950123, MeSH D030342.
Hypokalemic periodic paralysis, type 1. Also called: HypoPP; Hypokalemic Periodic Paralysis Type 1 (AD). Identifiers: Orphanet 681, MedGen C3714580, MONDO:0042979, OMIM 170400.
Malignant hyperthermia, susceptibility to, 5 (MHS5). Also called: CACNA1S-Related Malignant Hyperthermia Susceptibility. Identifiers: Orphanet 423, MedGen C1866077, MONDO:0011163, OMIM 601887.
Thyrotoxic periodic paralysis, susceptibility to, 1 (TTPP1). Identifiers: Orphanet 79102, MedGen C2749982, MONDO:0008570, OMIM 188580.

Allele frequency attached by ClinVar (database versions not stated): gnomAD exomes below 0.00001 and 0.00002; gnomAD 0.00001; TOPMed 0.00002.
gnomAD v4.1: 39 of 1,614,076 alleles (0.0024%); highest among the groups gnomAD compares: Non-Finnish European, 0.0031%; no homozygotes.

Submissions (9):

Ambry Genetics
Classification: Uncertain significance for Inborn genetic diseases. Last evaluated: 2025-01-19. Review status: criteria provided, single submitter. Criteria: Ambry Variant Classification Scheme 2023. Collection method: clinical testing. Allele origin: germline.

All of Us Research Program, National Institutes of Health
Classification: Uncertain significance for Malignant hyperthermia, susceptibility to, 5. Last evaluated: 2023-11-30. Review status: criteria provided, single submitter. Criteria: ACMG Guidelines, 2015. Collection method: clinical testing. Allele origin: germline. Inheritance: Autosomal dominant inheritance. Observed: 9 variant alleles, 9 heterozygotes.
Comment: This missense variant replaces proline with leucine at codon 457 of the CACNA1S protein. Computational prediction suggests that this variant may have deleterious impact on protein structure and function (internally defined REVEL score threshold >= 0.7, PMID: 27666373). To our knowledge, functional studies have not been reported for this variant. This variant has not been reported in individuals affected with CACNA1S-related disorders in the literature. This variant has been identified in 1/251372 chromosomes in the general population by the Genome Aggregation Database (gnomAD). The available evidence is insufficient to determine the role of this variant in disease conclusively. Therefore, this variant is classified as a Variant of Uncertain Significance.

This study involves interpretation of variants in research participants for the purpose of population health screening. Participant phenotype was not available at the time of variant classification. Additional details can be found in publication PMID: 35346344, PMCID: PMC8962531

Labcorp Genetics (formerly Invitae), Labcorp
Classification: Uncertain significance for Hypokalemic periodic paralysis, type 1; Malignant hyperthermia, susceptibility to, 5. Last evaluated: 2023-07-29. Review status: criteria provided, single submitter. Criteria: Invitae Variant Classification Sherloc (09022015). Collection method: clinical testing. Allele origin: germline.
Comment: This sequence change replaces proline, which is neutral and non-polar, with leucine, which is neutral and non-polar, at codon 457 of the CACNA1S protein (p.Pro457Leu). This variant is present in population databases (no rsID available, gnomAD 0.0009%). In summary, the available evidence is currently insufficient to determine the role of this variant in disease. Therefore, it has been classified as a Variant of Uncertain Significance. Advanced modeling of protein sequence and biophysical properties (such as structural, functional, and spatial information, amino acid conservation, physicochemical variation, residue mobility, and thermodynamic stability) has been performed at Invitae for this missense variant, however the output from this modeling did not meet the statistical confidence thresholds required to predict the impact of this variant on CACNA1S protein function. ClinVar contains an entry for this variant (Variation ID: 432592). This variant has not been reported in the literature in individuals affected with CACNA1S-related conditions.

Genome-Nilou Lab
Classification: Uncertain significance for Malignant hyperthermia, susceptibility to, 5. Last evaluated: 2023-04-11. Review status: criteria provided, single submitter. Criteria: ACMG Guidelines, 2015. Collection method: clinical testing. Allele origin: germline. Affected: no.

Genome-Nilou Lab
Classification: Uncertain significance for Thyrotoxic periodic paralysis, susceptibility to, 1. Last evaluated: 2023-04-11. Review status: criteria provided, single submitter. Criteria: ACMG Guidelines, 2015. Collection method: clinical testing. Allele origin: germline. Affected: no.

Genome-Nilou Lab
Classification: Uncertain significance for Congenital myopathy 18. Last evaluated: 2023-04-11. Review status: criteria provided, single submitter. Criteria: ACMG Guidelines, 2015. Collection method: clinical testing. Allele origin: germline. Affected: no.

Genome-Nilou Lab
Classification: Uncertain significance for Hypokalemic periodic paralysis, type 1. Last evaluated: 2023-04-11. Review status: criteria provided, single submitter. Criteria: ACMG Guidelines, 2015. Collection method: clinical testing. Allele origin: germline. Affected: no.

Fulgent Genetics
Classification: Uncertain significance for Hypokalemic periodic paralysis, type 1; Thyrotoxic periodic paralysis, susceptibility to, 1; Malignant hyperthermia, susceptibility to, 5. Last evaluated: 2021-09-15. Review status: criteria provided, single submitter. Criteria: ACMG Guidelines, 2015. Collection method: clinical testing. Allele origin: unknown.

GeneDx
Classification: Uncertain significance. Last evaluated: 2017-06-14. Review status: criteria provided, single submitter. Criteria: GeneDx Variant Classification (06012015). Collection method: clinical testing. Allele origin: germline. Affected: yes.
Comment: The P457L variant in the CACNA1S gene has not been reported previously as a pathogenic variant, nor as a benign variant, to our knowledge. The P457L variant is not observed in large population cohorts (Lek et al., 2016; 1000 Genomes Consortium et al., 2015; Exome Variant Server). The P457L variant is a semi-conservative amino acid substitution, which may impact secondary protein structure as these residues differ in some properties. This substitution occurs at a position that is conserved across species and in silico analysis predicts this variant is probably damaging to the protein structure/function. We interpret P457L as a variant of uncertain significance.